The following is an entry in ClinVar:

ClinVar aggregate classification (germline): Uncertain significance (1 of 4 stars; one submission).

Submission:

Labcorp Genetics (formerly Invitae), Labcorp
Classification: Uncertain significance. Last evaluated: 2022-04-04. Review status: criteria provided, single submitter. Criteria: Invitae Variant Classification Sherloc (09022015). Collection method: clinical testing. Allele origin: germline.
Comment: This sequence change replaces proline, which is neutral and non-polar, with leucine, which is neutral and non-polar, at codon 54 of the TULP1 protein (p.Pro54Leu). This variant is not present in population databases (gnomAD no frequency). In summary, the available evidence is currently insufficient to determine the role of this variant in disease. Therefore, it has been classified as a Variant of Uncertain Significance. Algorithms developed to predict the effect of missense changes on protein structure and function are either unavailable or do not agree on the potential impact of this missense change (SIFT: "Not Available"; PolyPhen-2: "Benign"; Align-GVGD: "Not Available"). This variant has not been reported in the literature in individuals affected with TULP1-related conditions.

NM_003322.6(TULP1):c.161C>T (p.Pro54Leu)

Gene: TULP1 (TUB like protein 1; minus strand). Cytogenetic location: 6p21.31.
Variant type: single nucleotide variant.
Coding change: c.161C>T on transcript NM_003322.6 (MANE Select); coding-DNA position 161, C replaced by T.
Protein change: p.Pro54Leu; replaces proline 54 with leucine.
Molecular consequence: missense variant.
Genome position (GRCh38, 1-based): chr6:35,512,209, G>A on the plus strand (C>T on the coding strand, the complement: TULP1 is on the minus strand). VCF-style: chr6-35512209-G-A. GRCh37 (hg19) VCF-style: chr6-35479986-G-A.
Other names: c.161C>T, p.Pro54Leu (NM_001289395.2); short protein forms P54L.
Identifiers: ClinVar variation 2121669 (VCV002121669.4), dbSNP rs2533811452, ClinGen allele CA363784950.